The following is an entry in ClinVar:

NM_000138.5(FBN1):c.5066-2A>G

Gene: FBN1 (fibrillin 1; minus strand). Cytogenetic location: 15q21.1.
Variant type: single nucleotide variant.
Coding change: c.5066-2A>G on transcript NM_000138.5 (MANE Select); the canonical splice acceptor site of the intron before coding-DNA position 5066, A replaced by G.
Molecular consequence: splice acceptor variant.
Genome position (GRCh38, 1-based): chr15:48,463,242, T>C on the plus strand (A>G on the coding strand, the complement: FBN1 is on the minus strand). VCF-style: chr15-48463242-T-C. GRCh37 (hg19) VCF-style: chr15-48755439-T-C.
Other names: c.5066-2A>G (NM_001406716.1).
Identifiers: ClinVar variation 2504831 (VCV002504831.2), dbSNP rs2505491435, ClinGen allele CA392349397.

ClinVar aggregate classification (germline): Pathogenic (1 of 4 stars; one submission).

Submission:

GeneDx
Classification: Pathogenic. Last evaluated: 2024-03-06. Review status: criteria provided, single submitter. Criteria: GeneDx Variant Classification Process June 2021. Collection method: clinical testing. Allele origin: germline.
Comment: Canonical splice site variant predicted to result in an in-frame loss of the adjacent exon in a gene for which loss of function, including deletions involving coding exon(s), is a known mechanism of disease; Not observed at significant frequency in large population cohorts (gnomAD); This variant is associated with the following publications: (PMID: 30056620, 16222657)